The following is an entry in ClinVar:

NM_173598.6(KSR2):c.566C>T (p.Pro189Leu)

Gene: KSR2 (kinase suppressor of ras 2; minus strand). Cytogenetic location: 12q24.23.
Variant type: single nucleotide variant.
Coding change: c.566C>T on transcript NM_173598.6 (MANE Select); coding-DNA position 566, C replaced by T.
Protein change: p.Pro189Leu; replaces proline 189 with leucine.
Molecular consequence: missense variant.
Genome position (GRCh38, 1-based): chr12:117,761,431, G>A on the plus strand (C>T on the coding strand, the complement: KSR2 is on the minus strand). VCF-style: chr12-117761431-G-A. GRCh37 (hg19) VCF-style: chr12-118199236-G-A.
Other names: short protein forms P189L.
Identifiers: ClinVar variation 4990672 (VCV004990672.1).

ClinVar aggregate classification (germline): Uncertain significance (1 of 4 stars; one submission).

Conditions:
KSR2-related disorder. Also called: KSR2-related condition.

gnomAD v4.1: 27 of 1,612,588 alleles (0.0017%); highest among the groups gnomAD compares: East Asian, 0.054%; no homozygotes.

Submission:

PreventionGenetics, part of Exact Sciences
Classification: Uncertain significance for KSR2-related condition. Last evaluated: 2025-05-21. Review status: criteria provided, single submitter. Criteria: ACMG Guidelines, 2015. Collection method: clinical testing. Allele origin: germline.
Comment: The KSR2 c.479C>T variant is predicted to result in the amino acid substitution p.Pro160Leu. To our knowledge, this variant has not been reported in the literature. This variant is reported in 0.011% of alleles in individuals of East Asian descent in gnomAD. Although we suspect that this variant may be benign, at this time, the clinical significance of this variant is uncertain due to the absence of conclusive functional and genetic evidence.